The following is an entry in ClinVar:

NM_000535.7(PMS2):c.899dup (p.Val302fs)

Gene: PMS2 (PMS1 homolog 2, mismatch repair system component; minus strand). Cytogenetic location: 7p22.1.
Variant type: Duplication.
Coding change: c.899dup on transcript NM_000535.7 (MANE Select); coding-DNA position 899, one base duplicated (C; older notation c.899dupC).
Protein change: p.Val302fs; shifts the reading frame from valine 302.
Molecular consequence: frameshift variant. On other transcripts: 5 prime UTR variant (2), non-coding transcript variant (1).
Genome position (GRCh38, 1-based): chr7:5,995,538, G duplicated on the plus strand (C on the coding strand, the reverse complement: PMS2 is on the minus strand). VCF-style (leftmost placement, unchanged base first): chr7-5995537-T-TG. GRCh37 (hg19) VCF-style: chr7-6035168-T-TG.
Other names: c.899dupC (NM_000535.5); c.494dup, p.Val167Glyfs (NM_001018040.1, NM_001406887.1, NM_001406888.1 and 15 more transcripts); c.494dup, p.Val167fs (NM_001322003.2, NM_001322004.2, NM_001322005.2 and 2 more transcripts); c.899dup, p.Val302fs (NM_001322006.2, NM_001322014.2); c.581dup, p.Val196fs (NM_001322007.2, NM_001322008.2); c.-35dup (NM_001322011.2, NM_001322012.2); c.326dup, p.Val111fs (NM_001322013.2); c.590dup, p.Val199fs (NM_001322015.2); and 10 more; short protein forms V167fs, V199fs, V196fs, V111fs, V302fs.
Identifiers: ClinVar variation 1765380 (VCV001765380.2), dbSNP rs2536140566, ClinGen allele CA2580076798.

ClinVar aggregate classification (germline): Pathogenic (1 of 4 stars; one submission).

Conditions:
Hereditary cancer-predisposing syndrome. Also called: Neoplastic Syndromes, Hereditary; Tumor predisposition; Hereditary Cancer Syndrome; Hereditary neoplastic syndrome. Identifiers: Orphanet 140162, MedGen C0027672, MeSH D009386, MONDO:0015356.

Submission:

Ambry Genetics
Classification: Pathogenic for Hereditary cancer-predisposing syndrome. Last evaluated: 2018-11-02. Review status: criteria provided, single submitter. Criteria: Ambry Variant Classification Scheme 2023. Collection method: clinical testing. Allele origin: germline.
Comment: The c.899dupC pathogenic mutation, located in coding exon 8 of the PMS2 gene, results from a duplication of C at nucleotide position 899, causing a translational frameshift with a predicted alternate stop codon (p.V302Gfs*7). This alteration is expected to result in loss of function by premature protein truncation or nonsense-mediated mRNA decay. As such, this alteration is interpreted as a disease-causing mutation.